The following is an entry in ClinVar:

ClinVar aggregate classification (germline): Uncertain significance. Review status: criteria provided, multiple submitters, no conflicts (2 of 4 stars). 2 submissions from 2 submitters: Uncertain significance (2). Last evaluated 2024-11-06.

Conditions:
Orofaciodigital syndrome I (OFD1). Also called: Papillon-Leage and Psaume Syndrome; Oral-Facial-Digital Syndrome Type I; OFDS I. Identifiers: Orphanet 2750, MedGen C1510460, MONDO:0010702, OMIM 311200.
Joubert syndrome. Also called: Familial aplasia of the vermis; CEREBELLOPARENCHYMAL DISORDER IV; JOUBERT-BOLTSHAUSER SYNDROME. Identifiers: Orphanet 475, MedGen C5979921, MONDO:0018772.
Joubert syndrome 10 (JBTS10). Identifiers: Orphanet 2754, MedGen C2749019, MONDO:0010431, OMIM 300804.
Retinitis pigmentosa 23 (RP23). Identifiers: Orphanet 791, MedGen C1419610, MONDO:0010320, OMIM 300424.
Simpson-Golabi-Behmel syndrome type 2. Identifiers: Orphanet 79022, MedGen C1846175, MONDO:0010265, OMIM 300209.

Allele frequency attached by ClinVar (database versions not stated): gnomAD exomes below 0.00001; gnomAD 0.00001 and 0.00002; TOPMed 0.00005.
gnomAD v4.1: 3 of 1,209,322 alleles (0.00025%); highest among the groups gnomAD compares: South Asian, 0.0018%; no homozygotes.

Submissions (2):

Labcorp Genetics (formerly Invitae), Labcorp
Classification: Uncertain significance for Orofaciodigital syndrome I; Joubert syndrome. Last evaluated: 2024-11-06. Review status: criteria provided, single submitter. Criteria: Invitae Variant Classification Sherloc (09022015). Collection method: clinical testing. Allele origin: germline.
Comment: This sequence change replaces arginine, which is basic and polar, with cysteine, which is neutral and slightly polar, at codon 733 of the OFD1 protein (p.Arg733Cys). This variant is not present in population databases (gnomAD no frequency). This variant has not been reported in the literature in individuals affected with OFD1-related conditions. ClinVar contains an entry for this variant (Variation ID: 575508). Invitae Evidence Modeling of protein sequence and biophysical properties (such as structural, functional, and spatial information, amino acid conservation, physicochemical variation, residue mobility, and thermodynamic stability) indicates that this missense variant is not expected to disrupt OFD1 protein function with a negative predictive value of 80%. In summary, the available evidence is currently insufficient to determine the role of this variant in disease. Therefore, it has been classified as a Variant of Uncertain Significance.

Fulgent Genetics
Classification: Uncertain significance for Simpson-Golabi-Behmel syndrome type 2; Retinitis pigmentosa 23; Joubert syndrome 10; Orofaciodigital syndrome I. Last evaluated: 2024-06-07. Review status: criteria provided, single submitter. Criteria: ACMG Guidelines, 2015. Collection method: clinical testing. Allele origin: germline.

NM_003611.3(OFD1):c.2197C>T (p.Arg733Cys)

Gene: OFD1 (OFD1 centriole and centriolar satellite protein; plus strand). Cytogenetic location: Xp22.2.
Variant type: single nucleotide variant.
Coding change: c.2197C>T on transcript NM_003611.3 (MANE Select); coding-DNA position 2197, C replaced by T.
Protein change: p.Arg733Cys; replaces arginine 733 with cysteine.
Molecular consequence: missense variant.
Genome position (GRCh38, 1-based): chrX:13,760,657, C>T. VCF-style: chrX-13760657-C-T. GRCh37 (hg19) VCF-style: chrX-13778776-C-T.
Other names: c.2077C>T, p.Arg693Cys (NM_001330209.2); c.1777C>T, p.Arg593Cys (NM_001330210.2); short protein forms R733C, R593C, R693C.
Identifiers: ClinVar variation 575508 (VCV000575508.9), dbSNP rs1376239977, ClinGen allele CA412344719.